The following is an entry in ClinVar:

NM_000528.4(MAN2B1):c.1929G>A (p.Trp643Ter)

Gene: MAN2B1 (mannosidase alpha class 2B member 1; minus strand). Cytogenetic location: 19p13.13.
Variant type: single nucleotide variant.
Coding change: c.1929G>A on transcript NM_000528.4 (MANE Select); coding-DNA position 1929, G replaced by A.
Protein change: p.Trp643Ter; replaces tryptophan 643 with a stop codon.
Molecular consequence: nonsense.
Genome position (GRCh38, 1-based): chr19:12,652,270, C>T on the plus strand (G>A on the coding strand, the complement: MAN2B1 is on the minus strand). VCF-style: chr19-12652270-C-T. GRCh37 (hg19) VCF-style: chr19-12763084-C-T.
Other names: c.1926G>A, p.Trp642Ter (NM_001173498.2); short protein forms W643*, W642*.
Identifiers: ClinVar variation 93212 (VCV000093212.22), dbSNP rs398123455, ClinGen allele CA221081.

ClinVar aggregate classification (germline): Pathogenic. Review status: criteria provided, multiple submitters, no conflicts (2 of 4 stars). 8 submissions from 8 submitters: Pathogenic (7). 1 of the submissions does not count toward it. Last evaluated 2024-09-15.

Conditions:
Deficiency of alpha-mannosidase (MANSA). Also called: Alpha-Mannosidosis; LYSOSOMAL ALPHA-D-MANNOSIDASE DEFICIENCY; Mannosidosis, alpha-, types I and II. Identifiers: Orphanet 61, MedGen C0024748, MONDO:0009561, OMIM 248500.

gnomAD v4.1: 1 of 1,613,820 alleles (0.000062%); highest among the groups gnomAD compares: African/African-American, 0.0013%; no homozygotes.

Submissions (8):

Labcorp Genetics (formerly Invitae), Labcorp
Classification: Pathogenic for Deficiency of alpha-mannosidase. Last evaluated: 2024-09-15. Review status: criteria provided, single submitter. Criteria: Invitae Variant Classification Sherloc (09022015). Collection method: clinical testing. Allele origin: germline.
Comment: This sequence change creates a premature translational stop signal (p.Trp643*) in the MAN2B1 gene. It is expected to result in an absent or disrupted protein product. Loss-of-function variants in MAN2B1 are known to be pathogenic (PMID: 9915946, 22161967). This variant is not present in population databases (gnomAD no frequency). This premature translational stop signal has been observed in individual(s) with alpha-mannosidosis (PMID: 22161967). ClinVar contains an entry for this variant (Variation ID: 93212). For these reasons, this variant has been classified as Pathogenic.

Fulgent Genetics
Classification: Pathogenic for Deficiency of alpha-mannosidase. Last evaluated: 2024-04-04. Review status: criteria provided, single submitter. Criteria: ACMG Guidelines, 2015. Collection method: clinical testing. Allele origin: germline.

Women's Health and Genetics/Laboratory Corporation of America, LabCorp
Classification: Pathogenic for Deficiency of alpha-mannosidase. Last evaluated: 2024-04-02. Review status: criteria provided, single submitter. Criteria: LabCorp Variant Classification Summary - May 2015. Collection method: clinical testing. Allele origin: germline.
Comment: Variant summary: MAN2B1 c.1929G>A (p.Trp643X) results in a premature termination codon, predicted to cause a truncation of the encoded protein or absence of the protein due to nonsense mediated decay, which are commonly known mechanisms for disease. The variant was absent in 251488 control chromosomes. c.1929G>A has been reported in the literature in at least one individual affected with Alpha-Mannosidosis (Riise Stensland_2012). To our knowledge, no experimental evidence demonstrating an impact on protein function has been reported. The following publication have been ascertained in the context of this evaluation (PMID: 22161967). ClinVar contains an entry for this variant (Variation ID: 93212). Based on the evidence outlined above, the variant was classified as pathogenic.

Baylor Genetics
Classification: Pathogenic for Deficiency of alpha-mannosidase. Last evaluated: 2024-02-11. Review status: criteria provided, single submitter. Criteria: ACMG Guidelines, 2015. Collection method: clinical testing. Allele origin: unknown.

GeneDx
Classification: Pathogenic. Last evaluated: 2024-01-31. Review status: criteria provided, single submitter. Criteria: GeneDx Variant Classification Process June 2021. Collection method: clinical testing. Allele origin: germline. Affected: yes.
Comment: Nonsense variant predicted to result in protein truncation or nonsense mediated decay in a gene for which loss of function is a known mechanism of disease; Not observed at significant frequency in large population cohorts (gnomAD); This variant is associated with the following publications: (PMID: 34614013, 22161967)

Genome-Nilou Lab
Classification: Pathogenic for Deficiency of alpha-mannosidase. Last evaluated: 2021-09-05. Review status: criteria provided, single submitter. Criteria: ACMG Guidelines, 2015. Collection method: clinical testing. Allele origin: germline. Affected: no.

Eurofins Ntd Llc (ga)
Classification: Pathogenic. Last evaluated: 2013-03-13. Review status: criteria provided, single submitter. Criteria: EGL Classification Definitions 2015. Collection method: clinical testing. Allele origin: germline. Observed: 1 variant allele, 1 heterozygote.

Natera, Inc.
Classification: Pathogenic for Alpha-mannosidosis. Last evaluated: 2020-12-02. Review status: no assertion criteria provided. Collection method: clinical testing. Allele origin: germline. Not counted in ClinVar's aggregate classification.

Literature cited by the submitters: PubMed 9915946 (cited by Labcorp Genetics (formerly Invitae), Labcorp); PubMed 22161967 (cited by Labcorp Genetics (formerly Invitae), Labcorp and Women's Health and Genetics/Laboratory Corporation of America, LabCorp).